The following is an entry in ClinVar:

NM_001893.6(CSNK1D):c.910G>A (p.Ala304Thr)

Gene: CSNK1D (casein kinase 1 delta; minus strand). Cytogenetic location: 17q25.3.
Variant type: single nucleotide variant.
Coding change: c.910G>A on transcript NM_001893.6 (MANE Select); coding-DNA position 910, G replaced by A.
Protein change: p.Ala304Thr; replaces alanine 304 with threonine.
Molecular consequence: missense variant. On other transcripts: non-coding transcript variant (1).
Genome position (GRCh38, 1-based): chr17:82,249,578, C>T on the plus strand (G>A on the coding strand, the complement: CSNK1D is on the minus strand). VCF-style: chr17-82249578-C-T. GRCh37 (hg19) VCF-style: chr17-80207454-C-T.
Other names: c.910G>A, p.Ala304Thr (NM_001363749.2, NM_139062.4); short protein forms A304T.
Identifiers: ClinVar variation 3239068 (VCV003239068.19), dbSNP rs71375089.

ClinVar aggregate classification (germline): Likely benign (1 of 4 stars; one submission).

Allele frequency attached by ClinVar (database versions not stated): 1000 Genomes Project 0.00040; 1000 Genomes Project 30x 0.00047; TOPMed 0.00114; gnomAD 0.00143; ESP Exome Variant Server 0.00203; gnomAD exomes 0.00219; ExAC 0.00241.
gnomAD v4.1: 3,236 of 1,559,244 alleles (0.21%); highest among the groups gnomAD compares: Non-Finnish European, 0.25%; 4 homozygotes.

Submission:

CeGaT Center for Human Genetics Tuebingen
Classification: Likely benign. Last evaluated: 2024-05-01. Review status: criteria provided, single submitter. Criteria: CeGaT Center For Human Genetics Tuebingen Variant Classification Criteria Version 2. Collection method: clinical testing. Allele origin: germline. Affected: yes. Observed: 1 variant allele.
Comment: CSNK1D: PP2, BS1